The following is an entry in ClinVar:

NM_020745.4(AARS2):c.*1576A>G

Gene: AARS2 (alanyl-tRNA synthetase 2, mitochondrial; minus strand). Cytogenetic location: 6p21.1.
Variant type: single nucleotide variant.
Coding change: c.*1576A>G on transcript NM_020745.4 (MANE Select); 1576 bases downstream of the stop codon, A replaced by G.
Molecular consequence: 3 prime UTR variant.
Genome position (GRCh38, 1-based): chr6:44,298,971, T>C on the plus strand (A>G on the coding strand, the complement: AARS2 is on the minus strand). VCF-style: chr6-44298971-T-C. GRCh37 (hg19) VCF-style: chr6-44266708-T-C.
Identifiers: ClinVar variation 357028 (VCV000357028.5), dbSNP rs1056092, ClinGen allele CA10622198.

ClinVar aggregate classification (germline): Benign (1 of 4 stars; one submission).

Conditions:
Combined oxidative phosphorylation defect type 8. Also called: CARDIOMYOPATHY, HYPERTROPHIC MITOCHONDRIAL, FATAL INFANTILE. Identifiers: Orphanet 319504, MedGen C4518839, MONDO:0013570, OMIM 614096.

Allele frequency attached by ClinVar (database versions not stated): 1000 Genomes Project 0.12500; 1000 Genomes Project 30x 0.12836; TOPMed 0.16748; gnomAD 0.17223 and 0.17434.

Submission:

Illumina Laboratory Services, Illumina
Classification: Benign for Combined oxidative phosphorylation defect type 8. Last evaluated: 2018-01-13. Review status: criteria provided, single submitter. Criteria: ICSL Variant Classification Criteria 13 December 2019. Collection method: clinical testing. Allele origin: germline.
Comment: This variant was observed in the ICSL laboratory as part of a predisposition screen in an ostensibly healthy population. It had not been previously curated by ICSL or reported in the Human Gene Mutation Database (HGMD: prior to June 1st, 2018), and was therefore a candidate for classification through an automated scoring system. Utilizing variant allele frequency, disease prevalence and penetrance estimates, and inheritance mode, an automated score was calculated to assess if this variant is too frequent to cause the disease. Based on the score and internal cut-off values, a variant classified as benign is not then subjected to further curation. The score for this variant resulted in a classification of benign for this disease.